The following is an entry in ClinVar:

ClinVar aggregate classification (germline): Uncertain significance. Review status: criteria provided, multiple submitters, no conflicts (2 of 4 stars). 3 submissions from 3 submitters: Uncertain significance (2). 1 of the submissions does not count toward it. Last evaluated 2021-09-15.

Conditions:
Inborn genetic diseases. Identifiers: MedGen C0950123, MeSH D030342.
Familial Mediterranean fever (FMF). Also called: POLYSEROSITIS, FAMILIAL PAROXYSMAL; POLYSEROSITIS, RECURRENT; Periodic peritonitis; Benign paroxysmal peritonitis. Identifiers: Orphanet 342, MedGen C0031069, MONDO:0018088, OMIM 249100. Disease mechanism: gain of function.

Allele frequency attached by ClinVar (database versions not stated): gnomAD exomes 0.00001 and below 0.00001; gnomAD 0.00001; TOPMed 0.00002.

Submissions (3):

Ambry Genetics
Classification: Uncertain significance for Inborn genetic diseases. Last evaluated: 2021-09-15. Review status: criteria provided, single submitter. Criteria: Ambry Variant Classification Scheme 2023. Collection method: clinical testing. Allele origin: germline.

Labcorp Genetics (formerly Invitae), Labcorp
Classification: Uncertain significance for Familial Mediterranean fever. Last evaluated: 2020-07-30. Review status: criteria provided, single submitter. Criteria: Invitae Variant Classification Sherloc (09022015). Collection method: clinical testing. Allele origin: germline.
Comment: This sequence change replaces tryptophan with leucine at codon 655 of the MEFV protein (p.Trp655Leu). The tryptophan residue is highly conserved and there is a small physicochemical difference between tryptophan and leucine. This variant is not present in population databases (ExAC no frequency). This variant has not been reported in the literature in individuals with MEFV-related conditions. Algorithms developed to predict the effect of missense changes on protein structure and function are either unavailable or do not agree on the potential impact of this missense change (SIFT: "Deleterious"; PolyPhen-2: "Probably Damaging"; Align-GVGD: "Class C0"). In summary, the available evidence is currently insufficient to determine the role of this variant in disease. Therefore, it has been classified as a Variant of Uncertain Significance.

Natera, Inc.
Classification: Uncertain significance for Familial Mediterranean fever. Last evaluated: 2020-11-04. Review status: no assertion criteria provided. Collection method: clinical testing. Allele origin: germline. Not counted in ClinVar's aggregate classification.

NM_000243.3(MEFV):c.1964G>T (p.Trp655Leu)

Genes: MEFV (MEFV innate immunity regulator, pyrin; minus strand), LOC126862264 (CDK7 strongly-dependent group 2 enhancer GRCh37_chr16:3293322-3294521; plus strand). Cytogenetic location: 16p13.3.
Variant type: single nucleotide variant.
Coding change: c.1964G>T on transcript NM_000243.3 (MANE Select); coding-DNA position 1964, G replaced by T.
Protein change: p.Trp655Leu; replaces tryptophan 655 with leucine.
Molecular consequence: missense variant. On other transcripts: 3 prime UTR variant (1).
Genome position (GRCh38, 1-based): chr16:3,243,523, C>A on the plus strand (G>T on the coding strand, the complement: MEFV is on the minus strand). VCF-style: chr16-3243523-C-A. GRCh37 (hg19) VCF-style: chr16-3293523-C-A.
Other names: c.1964G>T (NM_000243.2); c.*168G>T (NM_001198536.2); short protein forms W655L.
Identifiers: ClinVar variation 1021492 (VCV001021492.12), dbSNP rs1432156641, ClinGen allele CA394487364.